The following is an entry in ClinVar:

ClinVar aggregate classification (germline): Uncertain significance (1 of 4 stars; one submission).

Conditions:
Tyrosinemia type II (TYRSN2). Also called: OREGON TYPE TYROSINEMIA; TAT DEFICIENCY; TYROSINE AMINOTRANSFERASE DEFICIENCY; TYROSINE TRANSAMINASE DEFICIENCY; KERATOSIS PALMOPLANTARIS WITH CORNEAL DYSTROPHY. Identifiers: Orphanet 28378, MedGen C0268487, MONDO:0010160, OMIM 276600.

gnomAD v4.1: 21 of 1,613,838 alleles (0.0013%); highest among the groups gnomAD compares: African/African-American, 0.0027%; no homozygotes.

Submission:

Labcorp Genetics (formerly Invitae), Labcorp
Classification: Uncertain significance for Tyrosinemia type II. Last evaluated: 2024-08-05. Review status: criteria provided, single submitter. Criteria: Invitae Variant Classification Sherloc (09022015). Collection method: clinical testing. Allele origin: germline.
Comment: This sequence change replaces arginine, which is basic and polar, with glutamine, which is neutral and polar, at codon 395 of the TAT protein (p.Arg395Gln). This variant is present in population databases (no rsID available, gnomAD 0.008%). This variant has not been reported in the literature in individuals affected with TAT-related conditions. Advanced modeling of protein sequence and biophysical properties (such as structural, functional, and spatial information, amino acid conservation, physicochemical variation, residue mobility, and thermodynamic stability) performed at Invitae indicates that this missense variant is not expected to disrupt TAT protein function with a negative predictive value of 80%. In summary, the available evidence is currently insufficient to determine the role of this variant in disease. Therefore, it has been classified as a Variant of Uncertain Significance.

NM_000353.3(TAT):c.1184G>A (p.Arg395Gln)

Genes: TAT (tyrosine aminotransferase; minus strand), TAT-AS1 (TAT antisense RNA 1; plus strand). Cytogenetic location: 16q22.2.
Variant type: single nucleotide variant.
Coding change: c.1184G>A on transcript NM_000353.3 (MANE Select); coding-DNA position 1184, G replaced by A.
Protein change: p.Arg395Gln; replaces arginine 395 with glutamine.
Molecular consequence: missense variant.
Genome position (GRCh38, 1-based): chr16:71,568,751, C>T on the plus strand (G>A on the coding strand, the complement: TAT is on the minus strand). VCF-style: chr16-71568751-C-T. GRCh37 (hg19) VCF-style: chr16-71602654-C-T.
Other names: short protein forms R395Q.
Identifiers: ClinVar variation 3713032 (VCV003713032.2).